The following is an entry in ClinVar:

NM_004336.5(BUB1):c.510A>C (p.Gln170His)

Gene: BUB1 (BUB1 mitotic checkpoint serine/threonine kinase; minus strand). Cytogenetic location: 2q13.
Variant type: single nucleotide variant.
Coding change: c.510A>C on transcript NM_004336.5 (MANE Select); coding-DNA position 510, A replaced by C.
Protein change: p.Gln170His; replaces glutamine 170 with histidine.
Molecular consequence: missense variant.
Genome position (GRCh38, 1-based): chr2:110,669,510, T>G on the plus strand (A>C on the coding strand, the complement: BUB1 is on the minus strand). VCF-style: chr2-110669510-T-G. GRCh37 (hg19) VCF-style: chr2-111427087-T-G.
Other names: c.450A>C, p.Gln150His (NM_001278616.2); c.510A>C, p.Gln170His (NM_001278617.2); short protein forms Q170H, Q150H.
Identifiers: ClinVar variation 2586153 (VCV002586153.2), dbSNP rs2468031028, ClinGen allele CA348219235.

ClinVar aggregate classification (germline): Uncertain significance (1 of 4 stars; one submission).

Submission:

Ambry Genetics
Classification: Uncertain significance. Last evaluated: 2023-07-15. Review status: criteria provided, single submitter. Criteria: Ambry Variant Classification Scheme 2023. Collection method: clinical testing. Allele origin: germline.
Comment: The p.Q170H variant (also known as c.510A>C), located in coding exon 6 of the BUB1 gene, results from an A to C substitution at nucleotide position 510. The glutamine at codon 170 is replaced by histidine, an amino acid with highly similar properties. This amino acid position is conserved. In addition, this alteration is predicted to be tolerated by in silico analysis. Since supporting evidence is limited at this time, the clinical significance of this alteration remains unclear.